The following is an entry in ClinVar:

ClinVar aggregate classification (germline): Uncertain significance. Review status: criteria provided, multiple submitters, no conflicts (2 of 4 stars). 2 submissions from 2 submitters: Uncertain significance (2). Last evaluated 2025-10-21.

Conditions:
POLD1-related polyposis and colorectal cancer syndrome (CRCS10). Also called: Colorectal cancer 10; COLORECTAL CANCER, SUSCEPTIBILITY TO, ON CHROMOSOME 19q; Colorectal cancer, susceptibility to, 10. Identifiers: Orphanet 220460, MedGen C2675481, MONDO:0012953, OMIM 612591.
Hereditary cancer-predisposing syndrome. Also called: Hereditary neoplastic syndrome; Tumor predisposition; Neoplastic Syndromes, Hereditary; Hereditary Cancer Syndrome. Identifiers: Orphanet 140162, MedGen C0027672, MeSH D009386, MONDO:0015356.

Allele frequency attached by ClinVar (database versions not stated): gnomAD exomes below 0.00001; TOPMed 0.00001.
gnomAD v4.1: 2 of 1,612,906 alleles (0.00012%); highest among the groups gnomAD compares: South Asian, 0.0011%; no homozygotes.

Submissions (2):

Labcorp Genetics (formerly Invitae), Labcorp
Classification: Uncertain significance for POLD1-related polyposis and colorectal cancer syndrome. Last evaluated: 2025-10-21. Review status: criteria provided, single submitter. Criteria: Invitae Variant Classification Sherloc (09022015). Collection method: clinical testing. Allele origin: germline.
Comment: This sequence change replaces glycine, which is neutral and non-polar, with glutamic acid, which is acidic and polar, at codon 113 of the POLD1 protein (p.Gly113Glu). This variant is not present in population databases (gnomAD no frequency). This variant has not been reported in the literature in individuals affected with POLD1-related conditions. ClinVar contains an entry for this variant (Variation ID: 945410). An algorithm developed to predict the effect of missense changes on protein structure and function outputs the following: PolyPhen-2: "Benign". The glutamic acid amino acid residue is found in multiple mammalian species, which suggests that this missense change does not adversely affect protein function. In summary, the available evidence is currently insufficient to determine the role of this variant in disease. Therefore, it has been classified as a Variant of Uncertain Significance.

Ambry Genetics
Classification: Uncertain significance for Hereditary cancer-predisposing syndrome. Last evaluated: 2024-03-09. Review status: criteria provided, single submitter. Criteria: Ambry Variant Classification Scheme 2023. Collection method: clinical testing. Allele origin: germline.
Comment: The p.G113E variant (also known as c.338G>A), located in coding exon 3 of the POLD1 gene, results from a G to A substitution at nucleotide position 338. The glycine at codon 113 is replaced by glutamic acid, an amino acid with similar properties. This amino acid position is conserved. In addition, this alteration is predicted to be tolerated by in silico analysis. Since supporting evidence is limited at this time, the clinical significance of this alteration remains unclear.

NM_002691.4(POLD1):c.338G>A (p.Gly113Glu)

Gene: POLD1 (DNA polymerase delta 1, catalytic subunit; plus strand). Cytogenetic location: 19q13.33.
Variant type: single nucleotide variant.
Coding change: c.338G>A on transcript NM_002691.4 (MANE Select); coding-DNA position 338, G replaced by A.
Protein change: p.Gly113Glu; replaces glycine 113 with glutamic acid.
Molecular consequence: missense variant. On other transcripts: non-coding transcript variant (1).
Genome position (GRCh38, 1-based): chr19:50,401,799, G>A. VCF-style: chr19-50401799-G-A. GRCh37 (hg19) VCF-style: chr19-50905056-G-A.
Other names: c.338G>A, p.Gly113Glu (NM_001256849.1, NM_001308632.1); short protein forms G113E.
Identifiers: ClinVar variation 945410 (VCV000945410.12), dbSNP rs1489903051, ClinGen allele CA406972140.